The following is an entry in ClinVar:

ClinVar aggregate classification (germline): Pathogenic (1 of 4 stars; one submission).

Conditions:
Nephronophthisis. Also called: Juvenile Nephronophthisis. Identifiers: Orphanet 655, MedGen C0687120, MONDO:0019005, HP:0000090.

Submission:

Labcorp Genetics (formerly Invitae), Labcorp
Classification: Pathogenic for Nephronophthisis. Last evaluated: 2023-12-30. Review status: criteria provided, single submitter. Criteria: Invitae Variant Classification Sherloc (09022015). Collection method: clinical testing. Allele origin: unknown.
Comment: This variant is a gross deletion of the genomic region encompassing exon(s) 4-12 of the INVS gene. This deletion is out-of-frame, and is expected to create a premature termination codon and result in an absent or disrupted protein product. Loss-of-function variants in INVS are known to be pathogenic (PMID: 12872123). This variant has not been reported in the literature in individuals affected with INVS-related conditions. For these reasons, this variant has been classified as Pathogenic.

Literature cited by the submitters: PubMed 12872123.

NC_000009.11:g.(?_102988324)_(103035378_?)del

Gene: INVS (inversin; plus strand). Cytogenetic location: 9q31.1.
Variant type: Deletion.
Identifiers: ClinVar variation 3245133 (VCV003245133.1).